The following is an entry in ClinVar:

NM_001242882.2(NAXD):c.542_565del (p.Arg181_Asn188del)

Gene: NAXD (NAD(P)HX dehydratase; plus strand). Cytogenetic location: 13q34.
Variant type: Deletion.
Coding change: c.542_565del on transcript NM_001242882.2 (MANE Select); coding-DNA positions 542 to 565, 24 bases deleted (GGAAGGCTGTGCTCACTCCCAACC).
Protein change: p.Arg181_Asn188del.
Molecular consequence: inframe deletion. On other transcripts: non-coding transcript variant (2).
Genome position (GRCh38, 1-based): chr13:110,634,721-110,634,744, GGAAGGCTGTGCTCACTCCCAACC deleted; deleting any 24 consecutive bases within chr13:110,634,718-110,634,744 gives the same sequence; the c. name uses the placement nearest the transcript's 3' end. VCF-style (leftmost placement, unchanged base first): chr13-110634717-TACCGGAAGGCTGTGCTCACTCCCA-T. GRCh37 (hg19) VCF-style: chr13-111287064-TACCGGAAGGCTGTGCTCACTCCCA-T.
Other names: c.596_619del, p.Arg199_Asn206del (NM_001242881.2, NM_018210.4); c.266_289del, p.Arg89_Asn96del (NM_001242883.2).
Identifiers: ClinVar variation 2023438 (VCV002023438.4), dbSNP rs2501699930, ClinGen allele CA2580087186.

ClinVar aggregate classification (germline): Uncertain significance (1 of 4 stars; one submission).

Submission:

Labcorp Genetics (formerly Invitae), Labcorp
Classification: Uncertain significance. Last evaluated: 2025-08-21. Review status: criteria provided, single submitter. Criteria: Invitae Variant Classification Sherloc (09022015). Collection method: clinical testing. Allele origin: germline.
Comment: This variant, c.596_619del, results in the deletion of 8 amino acid(s) of the NAXD protein (p.Arg199_Asn206del), but otherwise preserves the integrity of the reading frame. This variant is not present in population databases (gnomAD no frequency). This variant has not been reported in the literature in individuals affected with NAXD-related conditions. ClinVar contains an entry for this variant (Variation ID: 2023438). Experimental studies and prediction algorithms are not available or were not evaluated, and the functional significance of this variant is currently unknown. In summary, the available evidence is currently insufficient to determine the role of this variant in disease. Therefore, it has been classified as a Variant of Uncertain Significance.